The following is an entry in ClinVar:

NM_000051.4(ATM):c.7026_7032del (p.Gly2342_Asn2343insTer)

Genes: ATM (ATM serine/threonine kinase; plus strand), C11orf65 (chromosome 11 open reading frame 65; minus strand). Cytogenetic location: 11q22.3.
Variant type: Deletion.
Coding change: c.7026_7032del on transcript NM_000051.4 (MANE Select); coding-DNA positions 7026 to 7032, 7 bases deleted (CAACTGG; older notation c.7026_7032delCAACTGG).
Protein change: p.Gly2342_Asn2343insTer.
Molecular consequence: frameshift variant. On other transcripts: intron variant (2).
Genome position (GRCh38, 1-based): chr11:108,327,695-108,327,701, CAACTGG deleted; deleting any 7 consecutive bases within chr11:108,327,692-108,327,701 gives the same sequence; the c. name uses the placement nearest the transcript's 3' end. VCF-style (leftmost placement, unchanged base first): chr11-108327691-GTGGCAAC-G. GRCh37 (hg19) VCF-style: chr11-108198418-GTGGCAAC-G.
Other names: c.7026_7032del, p.Gly2342_Asn2343insTer (NM_001351834.2); c.641-18627_641-18621del (NM_001330368.2); c.*38+7522_*38+7528del (NM_001351110.2).
Identifiers: ClinVar variation 4617106 (VCV004617106.1).
Genomic context (GRCh38, chr11:108,327,691, plus strand): 5'-CCTTTCTTATACAGAACAATCCCAGCCTAAAACTTACATACACAGAATGTCTGAGGGTTT[GTGGCAAC>G]TGGTTAGCAGAAACGTGCTTAGAAAATCCTGCGGTCATCATGCAGACCTATCTAGAAAAG-3'

ClinVar aggregate classification (germline): Pathogenic (1 of 4 stars; one submission).

Conditions:
Hereditary cancer-predisposing syndrome. Also called: Hereditary Cancer Syndrome; Neoplastic Syndromes, Hereditary; Tumor predisposition; Hereditary neoplastic syndrome. Identifiers: Orphanet 140162, MedGen C0027672, MeSH D009386, MONDO:0015356.

Submission:

Ambry Genetics
Classification: Pathogenic for Hereditary cancer-predisposing syndrome. Last evaluated: 2025-09-15. Review status: criteria provided, single submitter. Criteria: Ambry Variant Classification Scheme 2023. Collection method: clinical testing. Allele origin: germline.
Comment: The c.7026_7032delCAACTGG pathogenic mutation, located in coding exon 47 of the ATM gene, results from a deletion of 7 nucleotides at nucleotide positions 7026 to 7032, causing a translational frameshift with a predicted alternate stop codon (p.N2343*). This variant is considered to be rare based on population cohorts in the Genome Aggregation Database (gnomAD). This alteration is expected to result in loss of function by premature protein truncation or nonsense-mediated mRNA decay. As such, this alteration is interpreted as a disease-causing mutation.